The following is an entry in ClinVar:

ClinVar aggregate classification (germline): Uncertain significance (1 of 4 stars; one submission).

gnomAD v4.1: 14 of 1,522,898 alleles (0.00092%); highest among the groups gnomAD compares: African/African-American, 0.0028%; no homozygotes.

Submission:

CeGaT Center for Human Genetics Tuebingen
Classification: Uncertain significance. Last evaluated: 2026-07-01. Review status: criteria provided, single submitter. Criteria: CeGaT Center For Human Genetics Tuebingen Variant Classification Criteria Version 2. Collection method: clinical testing. Allele origin: germline. Affected: yes. Observed: 1 variant allele.
Comment: FN1: PM2:Supporting, PP2

NM_212482.4(FN1):c.788A>G (p.Asn263Ser)

Gene: FN1 (fibronectin 1; minus strand). Cytogenetic location: 2q35.
Variant type: single nucleotide variant.
Coding change: c.788A>G on transcript NM_212482.4 (MANE Select); coding-DNA position 788, A replaced by G.
Protein change: p.Asn263Ser; replaces asparagine 263 with serine.
Molecular consequence: missense variant.
Genome position (GRCh38, 1-based): chr2:215,428,236, T>C on the plus strand (A>G on the coding strand, the complement: FN1 is on the minus strand). VCF-style: chr2-215428236-T-C. GRCh37 (hg19) VCF-style: chr2-216292959-T-C.
Other names: c.788A>G, p.Asn263Ser (NM_001306129.2, NM_001306130.2, NM_001306131.2 and 14 more transcripts); short protein forms N263S.
Identifiers: ClinVar variation 5039660 (VCV005039660.1).